The following is an entry in ClinVar:

NM_001128148.3(TFRC):c.801+6T>C

Gene: TFRC (transferrin receptor; minus strand). Cytogenetic location: 3q29.
Variant type: single nucleotide variant.
Coding change: c.801+6T>C on transcript NM_001128148.3 (MANE Select); 6 bases into the intron after coding-DNA position 801, T replaced by C.
Molecular consequence: intron variant.
Genome position (GRCh38, 1-based): chr3:196,069,449, A>G on the plus strand (T>C on the coding strand, the complement: TFRC is on the minus strand). VCF-style: chr3-196069449-A-G. GRCh37 (hg19) VCF-style: chr3-195796320-A-G.
Other names: c.801+6T>C (NM_003234.4); c.-46+6T>C (NM_001313966.2); c.558+6T>C (NM_001313965.2).
Identifiers: ClinVar variation 1898477 (VCV001898477.5), dbSNP rs757339421, ClinGen allele CA2778189.
Genomic context (GRCh38, chr3:196,069,449, plus strand): 5'-TATCACTTACCTGAAGAGTAAGATACCAAAAGTACTGTATTTAATATTATAATAACTCAT[A>G]CTCACCTTTTCTGCAAAGGTGATTTTCCCTGCTCTGACAATCACTATAGATCCATTCACA-3'

ClinVar aggregate classification (germline): Uncertain significance (1 of 4 stars; one submission).

Allele frequency attached by ClinVar (database versions not stated): ExAC 0.00001; gnomAD exomes 0.00003.
gnomAD v4.1: 38 of 1,533,978 alleles (0.0025%); highest among the groups gnomAD compares: Non-Finnish European, 0.0033%; no homozygotes.

Submission:

Labcorp Genetics (formerly Invitae), Labcorp
Classification: Uncertain significance. Last evaluated: 2024-05-12. Review status: criteria provided, single submitter. Criteria: Invitae Variant Classification Sherloc (09022015). Collection method: clinical testing. Allele origin: germline.
Comment: This sequence change falls in intron 7 of the TFRC gene. It does not directly change the encoded amino acid sequence of the TFRC protein. It affects a nucleotide within the consensus splice site. The frequency data for this variant in the population databases is considered unreliable, as metrics indicate poor data quality at this position in the gnomAD database. This variant has not been reported in the literature in individuals affected with TFRC-related conditions. ClinVar contains an entry for this variant (Variation ID: 1898477). Variants that disrupt the consensus splice site are a relatively common cause of aberrant splicing (PMID: 17576681, 9536098). Algorithms developed to predict the effect of sequence changes on RNA splicing suggest that this variant is not likely to affect RNA splicing. In summary, the available evidence is currently insufficient to determine the role of this variant in disease. Therefore, it has been classified as a Variant of Uncertain Significance.

Literature cited by the submitters: PubMed 17576681; PubMed 9536098.